The following is an entry in ClinVar:

NM_024334.3(TMEM43):c.443-48G>A

Gene: TMEM43 (transmembrane protein 43; plus strand). Cytogenetic location: 3p25.1.
Variant type: single nucleotide variant.
Coding change: c.443-48G>A on transcript NM_024334.3 (MANE Select); 48 bases into the intron before coding-DNA position 443, G replaced by A.
Molecular consequence: intron variant.
Genome position (GRCh38, 1-based): chr3:14,132,818, G>A. VCF-style: chr3-14132818-G-A. GRCh37 (hg19) VCF-style: chr3-14174318-G-A.
Identifiers: ClinVar variation 673723 (VCV000673723.1), dbSNP rs41284009, ClinGen allele CA053833.

ClinVar aggregate classification (germline): Likely benign (1 of 4 stars; one submission).

Allele frequency attached by ClinVar (database versions not stated): 1000 Genomes Project 0.00499; 1000 Genomes Project 30x 0.00515; TOPMed 0.00636; ESP Exome Variant Server 0.00677; gnomAD 0.00712 and 0.00724; ExAC 0.00748; gnomAD exomes 0.00785 and 0.00892.
gnomAD v4.1: 13,799 of 1,578,646 alleles (0.87%); highest among the groups gnomAD compares: Non-Finnish European, 0.96%; 71 homozygotes.

Submission:

GeneDx
Classification: Likely benign. Last evaluated: 2018-06-16. Review status: criteria provided, single submitter. Criteria: GeneDx Variant Classification (06012015). Collection method: clinical testing. Allele origin: germline. Affected: yes.
Comment: This variant is considered likely benign or benign based on one or more of the following criteria: it is a conservative change, it occurs at a poorly conserved position in the protein, it is predicted to be benign by multiple in silico algorithms, and/or has population frequency not consistent with disease.